The following is an entry in ClinVar:

Conditions:
Breast-ovarian cancer, familial, susceptibility to, 1 (BROVCA1). Also called: BRCA1 Hereditary Breast and Ovarian Cancer; OVARIAN CANCER, SUSCEPTIBILITY TO. Identifiers: Orphanet 145, MedGen C2676676, MONDO:0011450, OMIM 604370. Disease mechanism: loss of function.

Submission:

Brotman Baty Institute, University of Washington
No classification provided (evidence only). Condition: Breast-ovarian cancer, familial 1. Review status: no classification provided. Collection method: in vitro. Allele origin: not applicable. Functional consequence: functionally_normal.
ClinVar note: "not provided" was previously submitted as the classification for the variant. However, the classification appeared to be based only on an observation of functional data so it was converted to no classification on 2025-07-30.

NM_007294.4(BRCA1):c.151C>G (p.Leu51Val)

Gene: BRCA1 (BRCA1 DNA repair associated; minus strand). Cytogenetic location: 17q21.31.
Variant type: single nucleotide variant.
Coding change: c.151C>G on transcript NM_007294.4 (MANE Select); coding-DNA position 151, C replaced by G.
Protein change: p.Leu51Val; replaces leucine 51 with valine.
Molecular consequence: missense variant. On other transcripts: non-coding transcript variant (1).
Genome position (GRCh38, 1-based): chr17:43,106,517, G>C on the plus strand (C>G on the coding strand, the complement: BRCA1 is on the minus strand). VCF-style: chr17-43106517-G-C. GRCh37 (hg19) VCF-style: chr17-41258534-G-C.
Other names: c.-38C>G (NM_001407571.1, NM_001407853.1, NM_001407879.1 and 58 more transcripts); c.151C>G, p.Leu51Val (NM_001407581.1, NM_001407582.1, NM_001407583.1 and 168 more transcripts); c.10C>G, p.Leu4Val (NM_001407692.1, NM_001407694.1, NM_001407695.1 and 99 more transcripts); short protein forms L4V, L51V.
Identifiers: ClinVar variation 865202 (VCV000865202.3), dbSNP rs2054790774, ClinGen allele CA10601853.